The following is an entry in ClinVar:

ClinVar aggregate classification (germline): Likely benign (1 of 4 stars; one submission).

Allele frequency attached by ClinVar (database versions not stated): 1000 Genomes Project 30x 0.00187; 1000 Genomes Project 0.00220; TOPMed 0.00570; ESP Exome Variant Server 0.00615; ExAC 0.00665; gnomAD exomes 0.00687; gnomAD 0.00607.
gnomAD v4.1: 10,937 of 1,606,354 alleles (0.68%); highest among the groups gnomAD compares: Non-Finnish European, 0.74%; 44 homozygotes.

Submission:

CeGaT Center for Human Genetics Tuebingen
Classification: Likely benign. Last evaluated: 2022-12-01. Review status: criteria provided, single submitter. Criteria: CeGaT Center For Human Genetics Tuebingen Variant Classification Criteria Version 2. Collection method: clinical testing. Allele origin: germline. Affected: yes. Observed: 1 variant allele.
Comment: MAP7: BP4, BP7, BS2

NM_003980.6(MAP7):c.318G>A (p.Arg106=)

Gene: MAP7 (microtubule associated protein 7; minus strand). Cytogenetic location: 6q23.3.
Variant type: single nucleotide variant.
Coding change: c.318G>A on transcript NM_003980.6 (MANE Select); coding-DNA position 318, G replaced by A.
Protein change: p.Arg106=; no amino-acid change (arginine 106 retained).
Molecular consequence: synonymous variant. On other transcripts: 5 prime UTR variant (6), intron variant (5).
Genome position (GRCh38, 1-based): chr6:136,389,444, C>T on the plus strand (G>A on the coding strand, the complement: MAP7 is on the minus strand). VCF-style: chr6-136389444-C-T. GRCh37 (hg19) VCF-style: chr6-136710582-C-T.
Other names: c.384G>A, p.Arg128= (NM_001198608.3, NM_001198609.2, NM_001198611.3 and 14 more transcripts); c.273G>A, p.Arg91= (NM_001198615.3); c.318G>A, p.Arg106= (NM_001198616.3, NM_001388334.1, NM_001388335.1 and 2 more transcripts); c.-121G>A (NM_001198618.2, NM_001198619.2, NM_001388348.1 and 3 more transcripts); c.207G>A, p.Arg69= (NM_001388343.1); c.68-16819G>A (NM_001388352.1); c.245-11576G>A (NM_001388347.1); c.245-5663G>A (NM_001198617.3); and 1 more.
Identifiers: ClinVar variation 2656931 (VCV002656931.24), dbSNP rs144407106, ClinGen allele CA4016189.